The following is an entry in ClinVar:

ClinVar aggregate classification (germline): Uncertain significance (1 of 4 stars; one submission).

Conditions:
Malignant hyperthermia, susceptibility to, 5 (MHS5). Also called: CACNA1S-Related Malignant Hyperthermia Susceptibility. Identifiers: Orphanet 423, MedGen C1866077, MONDO:0011163, OMIM 601887.
Hypokalemic periodic paralysis, type 1. Also called: Hypokalemic Periodic Paralysis Type 1 (AD); HypoPP. Identifiers: Orphanet 681, MedGen C3714580, MONDO:0042979, OMIM 170400.

Allele frequency attached by ClinVar (database versions not stated): gnomAD exomes below 0.00001.
gnomAD v4.1: 1 of 1,613,132 alleles (0.000062%); highest among the groups gnomAD compares: Admixed American, 0.0017%; no homozygotes.

Submission:

Labcorp Genetics (formerly Invitae), Labcorp
Classification: Uncertain significance for Hypokalemic periodic paralysis, type 1; Malignant hyperthermia, susceptibility to, 5. Last evaluated: 2026-01-03. Review status: criteria provided, single submitter. Criteria: Invitae Variant Classification Sherloc (09022015). Collection method: clinical testing. Allele origin: germline.
Comment: This sequence change replaces leucine, which is neutral and non-polar, with phenylalanine, which is neutral and non-polar, at codon 1169 of the CACNA1S protein (p.Leu1169Phe). This variant is not present in population databases (gnomAD no frequency). This variant has not been reported in the literature in individuals affected with CACNA1S-related conditions. ClinVar contains an entry for this variant (Variation ID: 2930504). Invitae Evidence Modeling of protein sequence and biophysical properties (such as structural, functional, and spatial information, amino acid conservation, physicochemical variation, residue mobility, and thermodynamic stability) has been performed for this missense variant. However, the output from this modeling did not meet the statistical confidence thresholds required to predict the impact of this variant on CACNA1S protein function. In summary, the available evidence is currently insufficient to determine the role of this variant in disease. Therefore, it has been classified as a Variant of Uncertain Significance.

NM_000069.3(CACNA1S):c.3505C>T (p.Leu1169Phe)

Gene: CACNA1S (calcium voltage-gated channel subunit alpha1 S; minus strand). Cytogenetic location: 1q32.1.
Variant type: single nucleotide variant.
Coding change: c.3505C>T on transcript NM_000069.3 (MANE Select); coding-DNA position 3505, C replaced by T.
Protein change: p.Leu1169Phe; replaces leucine 1169 with phenylalanine.
Molecular consequence: missense variant.
Genome position (GRCh38, 1-based): chr1:201,059,209, G>A on the plus strand (C>T on the coding strand, the complement: CACNA1S is on the minus strand). VCF-style: chr1-201059209-G-A. GRCh37 (hg19) VCF-style: chr1-201028337-G-A.
Other names: short protein forms L1169F.
Identifiers: ClinVar variation 2930504 (VCV002930504.3), dbSNP rs2464489631, ClinGen allele CA344158221.
Genomic context (GRCh38, chr1:201,059,209, plus strand): 5'-GCCCCAGCTTCTCATCTGGCCCGGTGGCCCCCACACTCACCCTGGCCTTGAAGGCCATGA[G>A]CTTGAGGATCATCTCCAGGGTGAAGATGATAGTGAAGGCCACATTGAGGATGTCTGAGAT-3'
Protein context (NP_000060.2, residues 1159-1179): IIFTLEMILK[Leu1169Phe]MAFKARGYFG